The following is an entry in ClinVar:

NM_001034853.2(RPGR):c.2635dup (p.Glu879fs)

Gene: RPGR (retinitis pigmentosa GTPase regulator; minus strand). Cytogenetic location: Xp11.4.
Variant type: Duplication.
Coding change: c.2635dup on transcript NM_001034853.2 (MANE Select); coding-DNA position 2635, one base duplicated (G; older notation c.2635dupG).
Protein change: p.Glu879fs; shifts the reading frame from glutamic acid 879.
Molecular consequence: frameshift variant. On other transcripts: intron variant (8).
Genome position (GRCh38, 1-based): chrX:38,286,364, C duplicated on the plus strand (G on the coding strand, the reverse complement: RPGR is on the minus strand); the first of 5 consecutive C bases (chrX:38,286,364-38,286,368); duplicating any one gives the same sequence. VCF-style (leftmost placement, unchanged base first): chrX-38286363-T-TC. GRCh37 (hg19) VCF-style: chrX-38145616-T-TC.
Other names: c.1386+4595dup (NM_001367251.1); c.1719+730dup (NM_001367246.1); c.1572+4595dup (NM_001367247.1); c.1905+730dup (NM_000328.3); c.1602+4595dup (NM_001367248.1); c.1569+4595dup (NM_001367249.1, NM_001367250.1); c.1902+730dup (NM_001367245.1); short protein forms E879fs.
Identifiers: ClinVar variation 4710721 (VCV004710721.1).
Genomic context (GRCh38, chrX:38,286,363, plus strand): 5'-TCCTCCTCTTCTCCCTCCCCTTCTCCTTCCTCTTCTCCCTCCCCTTCTCCTTCCTCCTCT[T>TC]CCCCCTCCCCTTCTCCTTCCTCCCCTTCTTCCTCCCCTTCTCCTTCTTCCCCTTCTTCCT-3'

ClinVar aggregate classification (germline): Pathogenic (1 of 4 stars; one submission).

Conditions:
Primary ciliary dyskinesia. Also called: Ciliary dyskinesia. Identifiers: Orphanet 244, MedGen C0008780, MONDO:0016575, HP:0012265.

Submission:

Labcorp Genetics (formerly Invitae), Labcorp
Classification: Pathogenic for Primary ciliary dyskinesia. Last evaluated: 2025-09-16. Review status: criteria provided, single submitter. Criteria: Invitae Variant Classification Sherloc (09022015). Collection method: clinical testing. Allele origin: germline.
Comment: This sequence change creates a premature translational stop signal (p.Glu879Glyfs*200) in the RPGR (ORF15) gene. While this is not anticipated to result in nonsense mediated decay, it is expected to disrupt the last 274 amino acid(s) of the RPGR (ORF15) protein. The frequency data for this variant in the population databases is considered unreliable, as metrics indicate insufficient coverage at this position in the gnomAD database. This premature translational stop signal has been observed in individuals with retinitis pigmentosa (PMID: 16969763, 27620828). This variant disrupts a region of the RPGR (ORF15) protein in which other variant(s) (p.Leu1130Lysfs*13) have been determined to be pathogenic (PMID: 22264887; internal data). This suggests that this is a clinically significant region of the protein, and that variants that disrupt it are likely to be disease-causing. For these reasons, this variant has been classified as Pathogenic.

Literature cited by the submitters: PubMed 16969763; PubMed 27620828; PubMed 22264887.